The following is an entry in ClinVar:

ClinVar aggregate classification (germline): Uncertain significance. Review status: criteria provided, multiple submitters, no conflicts (2 of 4 stars). 3 submissions from 3 submitters: Uncertain significance (3). Last evaluated 2026-07-15.

Conditions:
Noonan syndrome 9 (NS9). Identifiers: Orphanet 648, MedGen C4225282, MONDO:0014691, OMIM 616559.
SOS2-related disorder. Also called: SOS2-related condition.

Allele frequency attached by ClinVar (database versions not stated): gnomAD exomes below 0.00001.
gnomAD v4.1: 4 of 1,610,212 alleles (0.00025%); highest among the groups gnomAD compares: Middle Eastern, 0.033%; no homozygotes.

Submissions (3):

PreventionGenetics, part of Exact Sciences
Classification: Uncertain significance for SOS2-related condition. Last evaluated: 2026-07-15. Review status: criteria provided, single submitter. Criteria: ACMG Guidelines, 2015. Collection method: clinical testing. Allele origin: germline.
Comment: The SOS2 c.2182G>A variant is predicted to result in the amino acid substitution p.Val728Ile. To our knowledge, this variant has not been reported in the literature or in a large population database (gnomAD), indicating this variant is rare. At this time, the clinical significance of this variant is uncertain due to the absence of conclusive functional and genetic evidence.

Labcorp Genetics (formerly Invitae), Labcorp
Classification: Uncertain significance for Noonan syndrome 9. Last evaluated: 2024-10-22. Review status: criteria provided, single submitter. Criteria: Invitae Variant Classification Sherloc (09022015). Collection method: clinical testing. Allele origin: germline.
Comment: This sequence change replaces valine, which is neutral and non-polar, with isoleucine, which is neutral and non-polar, at codon 728 of the SOS2 protein (p.Val728Ile). This variant is not present in population databases (gnomAD no frequency). This variant has not been reported in the literature in individuals affected with SOS2-related conditions. ClinVar contains an entry for this variant (Variation ID: 1691536). Invitae Evidence Modeling of protein sequence and biophysical properties (such as structural, functional, and spatial information, amino acid conservation, physicochemical variation, residue mobility, and thermodynamic stability) indicates that this missense variant is not expected to disrupt SOS2 protein function with a negative predictive value of 95%. In summary, the available evidence is currently insufficient to determine the role of this variant in disease. Therefore, it has been classified as a Variant of Uncertain Significance.

St. Jude Molecular Pathology, St. Jude Children's Research Hospital
Classification: Uncertain significance for Noonan syndrome 9. Last evaluated: 2022-05-12. Review status: criteria provided, single submitter. Criteria: St. Jude Assertion Criteria 2020. Collection method: clinical testing. Allele origin: germline.
Comment: The SOS2 c.2182G>A (p.Val728Ile) missense change is absent in gnomAD v2.1.1 (PM2_supporting). This variant occurs in a gene where missense variants are more likely to be damaging based on methods described by Lek et al. (PP2; PMID: 27535533). It is predicted to have a benign effect on protein function (BP4), but to our knowledge this prediction has not been confirmed by functional assays. To our knowledge, this variant has not been reported in individuals with Noonan syndrome. In summary, this variant meets criteria to be classified as of uncertain significance based on the ACMG/AMP criteria: PM2_supporting, PP2, BP4.

NM_006939.4(SOS2):c.2182G>A (p.Val728Ile)

Gene: SOS2 (SOS Ras/Rho guanine nucleotide exchange factor 2; minus strand). Cytogenetic location: 14q21.3.
Variant type: single nucleotide variant.
Coding change: c.2182G>A on transcript NM_006939.4 (MANE Select); coding-DNA position 2182, G replaced by A.
Protein change: p.Val728Ile; replaces valine 728 with isoleucine.
Molecular consequence: missense variant.
Genome position (GRCh38, 1-based): chr14:50,150,210, C>T on the plus strand (G>A on the coding strand, the complement: SOS2 is on the minus strand). VCF-style: chr14-50150210-C-T. GRCh37 (hg19) VCF-style: chr14-50616928-C-T.
Other names: short protein forms V728I.
Identifiers: ClinVar variation 1691536 (VCV001691536.8), dbSNP rs2139595594, ClinGen allele CA389644018.